The following is an entry in ClinVar:

NM_000548.5(TSC2):c.4343G>A (p.Ser1448Asn)

Gene: TSC2 (TSC complex subunit 2; plus strand). Cytogenetic location: 16p13.3.
Variant type: single nucleotide variant.
Coding change: c.4343G>A on transcript NM_000548.5 (MANE Select); coding-DNA position 4343, G replaced by A.
Protein change: p.Ser1448Asn; replaces serine 1448 with asparagine.
Molecular consequence: missense variant.
Genome position (GRCh38, 1-based): chr16:2,084,565, G>A. VCF-style: chr16-2084565-G-A. GRCh37 (hg19) VCF-style: chr16-2134566-G-A.
Other names: c.4142G>A, p.Ser1381Asn (NM_001077183.3); c.4274G>A, p.Ser1425Asn (NM_001114382.3); c.4034G>A, p.Ser1345Asn (NM_001318827.2); c.3998G>A, p.Ser1333Asn (NM_001318829.2); c.3611G>A, p.Ser1204Asn (NM_001318831.2); c.4175G>A, p.Ser1392Asn (NM_001318832.2); c.4145G>A, p.Ser1382Asn (NM_001363528.2); c.4211G>A, p.Ser1404Asn (NM_001370404.1); and 1 more; short protein forms S1204N, S1381N, S1392N, S1448N, S1333N, S1382N, S1405N, S1425N.
Identifiers: ClinVar variation 1432142 (VCV001432142.10), dbSNP rs776137955, ClinGen allele CA050888.

ClinVar aggregate classification (germline): Conflicting classifications of pathogenicity. Review status: criteria provided, conflicting classifications (1 of 4 stars). 3 submissions from 3 submitters: Uncertain significance (2); Benign (1). Last evaluated 2025-10-01.

Conditions:
Isolated focal cortical dysplasia type II (FCORD2). Also called: CORTICAL DYSPLASIA OF TAYLOR; Focal cortical dysplasia type II. Identifiers: Orphanet 268994, MedGen C1846385, MONDO:0011818, OMIM 607341, HP:0032051.
Lymphangiomyomatosis (LAM). Also called: Lymphangioleiomyomatosis, somatic; Lymphangioleiomyomatosis. Identifiers: Orphanet 538, MedGen C0751674, MONDO:0011705, OMIM 606690.
Tuberous sclerosis 2 (TSC2). Identifiers: Orphanet 805, MedGen C1860707, MONDO:0013199, OMIM 613254.
Hereditary cancer-predisposing syndrome. Also called: Neoplastic Syndromes, Hereditary; Hereditary Cancer Syndrome; Tumor predisposition; Hereditary neoplastic syndrome. Identifiers: Orphanet 140162, MedGen C0027672, MeSH D009386, MONDO:0015356.

Allele frequency attached by ClinVar (database versions not stated): gnomAD exomes 0.00001 and 0.00002; ExAC 0.00002.
gnomAD v4.1: 4 of 1,607,892 alleles (0.00025%); highest among the groups gnomAD compares: South Asian, 0.0022%; no homozygotes.

Submissions (3):

Ambry Genetics
Classification: Uncertain significance for Hereditary cancer-predisposing syndrome. Last evaluated: 2025-10-01. Review status: criteria provided, single submitter. Criteria: Ambry Variant Classification Scheme 2023. Collection method: clinical testing. Allele origin: germline.
Comment: The p.S1448N variant (also known as c.4343G>A), located in coding exon 33 of the TSC2 gene, results from a G to A substitution at nucleotide position 4343. The serine at codon 1448 is replaced by asparagine, an amino acid with highly similar properties. This amino acid position is not well conserved in available vertebrate species. In addition, the in silico prediction for this alteration is inconclusive. Since supporting evidence is limited at this time, the clinical significance of this alteration remains unclear.

Labcorp Genetics (formerly Invitae), Labcorp
Classification: Benign for Tuberous sclerosis 2. Last evaluated: 2025-09-14. Review status: criteria provided, single submitter. Criteria: Invitae Variant Classification Sherloc (09022015). Collection method: clinical testing. Allele origin: germline.

Fulgent Genetics
Classification: Uncertain significance for Lymphangiomyomatosis; Isolated focal cortical dysplasia type II; Tuberous sclerosis 2. Last evaluated: 2024-02-20. Review status: criteria provided, single submitter. Criteria: ACMG Guidelines, 2015. Collection method: clinical testing. Allele origin: germline.